The following is an entry in ClinVar:

ClinVar aggregate classification (germline): Uncertain significance. Review status: criteria provided, multiple submitters, no conflicts (2 of 4 stars). 5 submissions from 5 submitters: Uncertain significance (5). Last evaluated 2026-01-05.

Conditions:
Hereditary cancer-predisposing syndrome. Also called: Neoplastic Syndromes, Hereditary; Hereditary Cancer Syndrome; Tumor predisposition; Hereditary neoplastic syndrome. Identifiers: Orphanet 140162, MedGen C0027672, MeSH D009386, MONDO:0015356.
Familial adenomatous polyposis 3. Also called: NTHL1-associated polyposis; NTHL1-related attenuated familial adenomatous polyposis; NTHL1-Related Adenomatous Polyposis and Colorectal Cancer; NTHL1 Tumor Syndrome. Identifiers: Orphanet 220460, Orphanet 454840, MedGen C4225157, MONDO:0014630, OMIM 616415.

Allele frequency attached by ClinVar (database versions not stated): TOPMed 0.00002.
gnomAD v4.1: 8 of 1,611,780 alleles (0.0005%); highest among the groups gnomAD compares: South Asian, 0.0055%; no homozygotes.

Submissions (5):

Labcorp Genetics (formerly Invitae), Labcorp
Classification: Uncertain significance. Last evaluated: 2026-01-05. Review status: criteria provided, single submitter. Criteria: Invitae Variant Classification Sherloc (09022015). Collection method: clinical testing. Allele origin: germline.
Comment: This sequence change replaces proline, which is neutral and non-polar, with alanine, which is neutral and non-polar, at codon 125 of the NTHL1 protein (p.Pro125Ala). This variant is present in population databases (rs149277519, gnomAD 0.006%). This variant has not been reported in the literature in individuals affected with NTHL1-related conditions. ClinVar contains an entry for this variant (Variation ID: 641780). An algorithm developed to predict the effect of missense changes on protein structure and function (PolyPhen-2) suggests that this variant is likely to be tolerated. In summary, the available evidence is currently insufficient to determine the role of this variant in disease. Therefore, it has been classified as a Variant of Uncertain Significance.

Quest Diagnostics Nichols Institute San Juan Capistrano
Classification: Uncertain significance. Last evaluated: 2025-06-06. Review status: criteria provided, single submitter. Criteria: Quest Diagnostics criteria. Collection method: clinical testing. Allele origin: unknown.
Comment: The NTHL1 c.373C>G (p.Pro125Ala) variant has not been reported in individuals with NTHL1-related conditions in the published literature. The frequency of this variant in the general population (Genome Aggregation Database) is uninformative in the assessment of its pathogenicity. Analysis of this variant using bioinformatics tools for the prediction of the effect of amino acid changes on protein structure and function yielded predictions that this variant is benign. Based on the available information, we are unable to determine the clinical significance of this variant.

Center for Genomic Medicine, Rigshospitalet, Copenhagen University Hospital
Classification: Uncertain significance. Last evaluated: 2025-03-04. Review status: criteria provided, single submitter. Criteria: ACMG Guidelines, 2015. Collection method: clinical testing. Allele origin: germline.

Ambry Genetics
Classification: Uncertain significance for Hereditary cancer-predisposing syndrome. Last evaluated: 2024-06-10. Review status: criteria provided, single submitter. Criteria: Ambry Variant Classification Scheme 2023. Collection method: clinical testing. Allele origin: germline.
Comment: The p.P125A variant (also known as c.373C>G), located in coding exon 2 of the NTHL1 gene, results from a C to G substitution at nucleotide position 373. The proline at codon 125 is replaced by alanine, an amino acid with highly similar properties. This amino acid position is well conserved in available vertebrate species. In addition, the in silico prediction for this alteration is inconclusive. Since supporting evidence is limited at this time, the clinical significance of this alteration remains unclear.

Baylor Genetics
Classification: Uncertain significance for Familial adenomatous polyposis 3. Last evaluated: 2024-03-06. Review status: criteria provided, single submitter. Criteria: ACMG Guidelines, 2015. Collection method: clinical testing. Allele origin: unknown.

NM_002528.7(NTHL1):c.349C>G (p.Pro117Ala)

Gene: NTHL1 (nth like DNA glycosylase 1; minus strand). Cytogenetic location: 16p13.3.
Variant type: single nucleotide variant.
Coding change: c.349C>G on transcript NM_002528.7 (MANE Select); coding-DNA position 349, C replaced by G.
Protein change: p.Pro117Ala; replaces proline 117 with alanine.
Molecular consequence: missense variant. On other transcripts: intron variant (1).
Genome position (GRCh38, 1-based): chr16:2,046,133, G>C on the plus strand (C>G on the coding strand, the complement: NTHL1 is on the minus strand). VCF-style: chr16-2046133-G-C. GRCh37 (hg19) VCF-style: chr16-2096134-G-C.
Other names: c.349C>G, p.Pro117Ala (NM_001318193.2, LRG_1366t1); c.24+147C>G (NM_001318194.2); short protein forms P117A.
Identifiers: ClinVar variation 641780 (VCV000641780.16), dbSNP rs149277519, ClinGen allele CA7828314.